The following is an entry in ClinVar:

NM_014363.6(SACS):c.7521_7524del (p.Glu2507fs)

Gene: SACS (sacsin molecular chaperone; minus strand). Cytogenetic location: 13q12.12.
Variant type: Deletion.
Coding change: c.7521_7524del on transcript NM_014363.6 (MANE Select); coding-DNA positions 7521 to 7524, 4 bases deleted (AAGA; older notation c.7521_7524delAAGA).
Protein change: p.Glu2507fs; shifts the reading frame from glutamic acid 2507.
Molecular consequence: frameshift variant.
Genome position (GRCh38, 1-based): chr13:23,336,352-23,336,355, TCTT deleted on the plus strand (AAGA on the coding strand, the reverse complement: SACS is on the minus strand); deleting any 4 consecutive bases within chr13:23,336,352-23,336,358 gives the same sequence; the c. name uses the placement nearest the transcript's 3' end. VCF-style (leftmost placement, unchanged base first): chr13-23336351-ATCTT-A. GRCh37 (hg19) VCF-style: chr13-23910490-ATCTT-A.
Other names: c.7080_7083del, p.Glu2360fs (NM_001278055.2); short protein forms E2360fs, E2507fs.
Identifiers: ClinVar variation 370374 (VCV000370374.7), dbSNP rs1057516438, ClinGen allele CA16041619.

ClinVar aggregate classification (germline): Pathogenic. Review status: criteria provided, single submitter (1 of 4 stars). 2 submissions from 2 submitters: Pathogenic (1). 1 of the submissions does not count toward it. Last evaluated 2022-04-11.

Conditions:
Spastic paraplegia. Identifiers: MedGen C0037772, HP:0001258.
Charlevoix-Saguenay spastic ataxia (SACS). Also called: AUTOSOMAL RECESSIVE SPASTIC ATAXIA OF CHARLEVOIX-SAGUENAY; SPASTIC ATAXIA 6, AUTOSOMAL RECESSIVE; Spastic ataxia of Charlevoix-Saguenay. Identifiers: Orphanet 98, MedGen C1849140, MONDO:0010041, OMIM 270550.

Submissions (2):

Labcorp Genetics (formerly Invitae), Labcorp
Classification: Pathogenic for Spastic paraplegia. Last evaluated: 2022-04-11. Review status: criteria provided, single submitter. Criteria: Invitae Variant Classification Sherloc (09022015). Collection method: clinical testing. Allele origin: germline.
Comment: This variant is not present in population databases (gnomAD no frequency). This variant has not been reported in the literature in individuals affected with SACS-related conditions. ClinVar contains an entry for this variant (Variation ID: 370374). This variant disrupts a region of the SACS protein in which other variant(s) (p.Asn4549Asp) have been determined to be pathogenic (PMID: 15156359, 21507954). This suggests that this is a clinically significant region of the protein, and that variants that disrupt it are likely to be disease-causing. For these reasons, this variant has been classified as Pathogenic. This sequence change creates a premature translational stop signal (p.Glu2507Aspfs*21) in the SACS gene. While this is not anticipated to result in nonsense mediated decay, it is expected to disrupt the last 2073 amino acid(s) of the SACS protein.

Counsyl
Classification: Likely pathogenic for Charlevoix-Saguenay spastic ataxia. Last evaluated: 2016-01-27. Review status: no assertion criteria provided. Collection method: clinical testing. Allele origin: unknown. Not counted in ClinVar's aggregate classification.

Literature cited by the submitters: PubMed 15156359 (cited by Labcorp Genetics (formerly Invitae), Labcorp); PubMed 21507954 (cited by Labcorp Genetics (formerly Invitae), Labcorp).